The following is an entry in ClinVar:

ClinVar aggregate classification (germline): Uncertain significance (1 of 4 stars; one submission).

Conditions:
Dilated cardiomyopathy 1JJ (CMD1JJ). Identifiers: Orphanet 154, MedGen C3808935, MONDO:0014095, OMIM 615235.

gnomAD v4.1: 1 of 1,612,886 alleles (0.000062%); highest among the groups gnomAD compares: African/African-American, 0.0013%; no homozygotes.

Submission:

Labcorp Genetics (formerly Invitae), Labcorp
Classification: Uncertain significance for Dilated cardiomyopathy 1JJ. Last evaluated: 2026-01-25. Review status: criteria provided, single submitter. Criteria: Invitae Variant Classification Sherloc (09022015). Collection method: clinical testing. Allele origin: germline.
Comment: This sequence change replaces proline, which is neutral and non-polar, with alanine, which is neutral and non-polar, at codon 1352 of the LAMA4 protein (p.Pro1352Ala). This variant is not present in population databases (gnomAD no frequency). This variant has not been reported in the literature in individuals affected with LAMA4-related conditions. Invitae Evidence Modeling of protein sequence and biophysical properties (such as structural, functional, and spatial information, amino acid conservation, physicochemical variation, residue mobility, and thermodynamic stability) indicates that this missense variant is expected to disrupt LAMA4 protein function with a positive predictive value of 80%. In summary, the available evidence is currently insufficient to determine the role of this variant in disease. Therefore, it has been classified as a Variant of Uncertain Significance.

NM_001105206.3(LAMA4):c.4075C>G (p.Pro1359Ala)

Gene: LAMA4 (laminin subunit alpha 4; minus strand). Cytogenetic location: 6q21.
Variant type: single nucleotide variant.
Coding change: c.4075C>G on transcript NM_001105206.3 (MANE Select); coding-DNA position 4075, C replaced by G.
Protein change: p.Pro1359Ala; replaces proline 1359 with alanine.
Molecular consequence: missense variant.
Genome position (GRCh38, 1-based): chr6:112,129,934, G>C on the plus strand (C>G on the coding strand, the complement: LAMA4 is on the minus strand). VCF-style: chr6-112129934-G-C. GRCh37 (hg19) VCF-style: chr6-112451136-G-C.
Other names: c.4054C>G, p.Pro1352Ala (NM_001105207.3, NM_002290.5); short protein forms P1352A, P1359A.
Identifiers: ClinVar variation 4763351 (VCV004763351.1).